The following is an entry in ClinVar:

ClinVar aggregate classification (germline): Uncertain significance. Review status: criteria provided, multiple submitters, no conflicts (2 of 4 stars). 9 submissions from 9 submitters: Uncertain significance (7). 2 of the submissions do not count toward it. Last evaluated 2026-01-26.

Conditions:
MYPN-related disorder. Also called: MYPN-related condition.
Primary dilated cardiomyopathy (DCM). Also called: Dilated Cardiomyopathy. Identifiers: Orphanet 217604, MedGen C0007193, MeSH D002311, MONDO:0005021, HP:0001644. Inheritance: Various modes of inheritance.
MYPN-related myopathy (CMYO24). Also called: Nemaline myopathy 11, autosomal recessive. Identifiers: MedGen C4479186, MONDO:0015023, OMIM 617336.
Dilated cardiomyopathy 1KK (CMD1KK). Identifiers: Orphanet 154, Orphanet 75249, MedGen C3714995, MONDO:0014100, OMIM 615248.
Cardiovascular phenotype. Identifiers: MedGen CN230736.

Allele frequency attached by ClinVar (database versions not stated): gnomAD exomes 0.00002 and 0.00004; ExAC 0.00004; ESP Exome Variant Server 0.00008; gnomAD 0.00009 and 0.00010; TOPMed 0.00013; 1000 Genomes Project 30x 0.00016; 1000 Genomes Project 0.00020.
gnomAD v4.1: 40 of 1,614,178 alleles (0.0025%); highest among the groups gnomAD compares: African/African-American, 0.039%; no homozygotes.

Submissions (9):

PreventionGenetics, part of Exact Sciences
Classification: Uncertain significance for MYPN-related condition. Last evaluated: 2026-01-26. Review status: criteria provided, single submitter. Criteria: ACMG Guidelines, 2015. Collection method: clinical testing. Allele origin: germline.
Comment: The MYPN c.259C>G variant is predicted to result in the amino acid substitution p.Pro87Ala. This variant has been reported as a variant of uncertain significance in individuals with dilated cardiomyopathy (online supplementary file 2, van Lint et al. 2019. PubMed ID: 30847666; Table S4, Kühnisch et al. 2019. PubMed ID: 31568572). This variant is reported in 0.040% of alleles in individuals of African descent in gnomAD. At this time, the clinical significance of this variant is uncertain due to the absence of conclusive functional and genetic evidence.

Ambry Genetics
Classification: Uncertain significance for Cardiovascular phenotype. Last evaluated: 2025-03-03. Review status: criteria provided, single submitter. Criteria: Ambry Variant Classification Scheme 2023. Collection method: clinical testing. Allele origin: germline.
Comment: The p.P87A variant (also known as c.259C>G), located in coding exon 1 of the MYPN gene, results from a C to G substitution at nucleotide position 259. The proline at codon 87 is replaced by alanine, an amino acid with highly similar properties. This variant has been detected in individuals with dilated cardiomyopathy; however, details were limited (K&uuml;hnisch J et al. Clin Genet, 2019 12;96:549-559; van Lint FHM et al. Neth Heart J, 2019 Jun;27:304-309). This amino acid position is well conserved in available vertebrate species. In addition, this alteration is predicted to be tolerated by in silico analysis. Since supporting evidence is limited at this time, the clinical significance of this alteration remains unclear.

GeneDx
Classification: Uncertain significance. Last evaluated: 2024-07-07. Review status: criteria provided, single submitter. Criteria: GeneDx Variant Classification Process June 2021. Collection method: clinical testing. Allele origin: germline. Affected: yes.
Comment: Identified in patients with DCM in published literature, including one pediatric patient (PMID: 31568572, 30847666); In silico analysis indicates that this missense variant does not alter protein structure/function; This variant is associated with the following publications: (PMID: 31568572, 30847666)

Labcorp Genetics (formerly Invitae), Labcorp
Classification: Uncertain significance for Dilated cardiomyopathy 1KK. Last evaluated: 2022-08-16. Review status: criteria provided, single submitter. Criteria: Invitae Variant Classification Sherloc (09022015). Collection method: clinical testing. Allele origin: germline.
Comment: This sequence change replaces proline, which is neutral and non-polar, with alanine, which is neutral and non-polar, at codon 87 of the MYPN protein (p.Pro87Ala). This variant is present in population databases (rs376945733, gnomAD 0.04%). This missense change has been observed in individual(s) with dilated cardiomyopathy (PMID: 31568572). ClinVar contains an entry for this variant (Variation ID: 573255). Algorithms developed to predict the effect of missense changes on protein structure and function (SIFT, PolyPhen-2, Align-GVGD) all suggest that this variant is likely to be tolerated. In summary, the available evidence is currently insufficient to determine the role of this variant in disease. Therefore, it has been classified as a Variant of Uncertain Significance.

Fulgent Genetics
Classification: Uncertain significance for Dilated cardiomyopathy 1KK; MYPN-related myopathy. Last evaluated: 2022-02-09. Review status: criteria provided, single submitter. Criteria: ACMG Guidelines, 2015. Collection method: clinical testing. Allele origin: unknown.

Mayo Clinic Laboratories, Mayo Clinic
Classification: Uncertain significance. Last evaluated: 2021-02-18. Review status: criteria provided, single submitter. Criteria: ACMG Guidelines, 2015. Collection method: clinical testing. Allele origin: germline. Observed: 1 variant allele.

Klaassen Lab, Charite University Medicine Berlin
Classification: Uncertain significance for Primary dilated cardiomyopathy. Last evaluated: 2019-07-03. Review status: criteria provided, single submitter. Criteria: ACMG Guidelines, 2015. Collection method: research. Allele origin: germline. Affected: yes.

Clinical Genetics DNA and cytogenetics Diagnostics Lab, Erasmus MC, Erasmus Medical Center
Classification: Likely benign. Review status: no assertion criteria provided. Collection method: clinical testing. Allele origin: germline. Affected: yes. Study: VKGL Data-share Consensus. Not counted in ClinVar's aggregate classification.

Diagnostic Laboratory, Department of Genetics, University Medical Center Groningen
Classification: Likely benign. Review status: no assertion criteria provided. Collection method: clinical testing. Allele origin: germline. Affected: yes. Study: VKGL Data-share Consensus. Not counted in ClinVar's aggregate classification.

Literature cited by the submitters: PubMed 30847666 (cited by Ambry Genetics); PubMed 31568572 (cited by 3 submitters); PubMed 31333075 (cited by Klaassen Lab, Charite University Medicine Berlin).

NM_032578.4(MYPN):c.259C>G (p.Pro87Ala)

Gene: MYPN (myopalladin; plus strand). Cytogenetic location: 10q21.3.
Variant type: single nucleotide variant.
Coding change: c.259C>G on transcript NM_032578.4 (MANE Select); coding-DNA position 259, C replaced by G.
Protein change: p.Pro87Ala; replaces proline 87 with alanine.
Molecular consequence: missense variant. On other transcripts: 5 prime UTR variant (1), non-coding transcript variant (1).
Genome position (GRCh38, 1-based): chr10:68,121,697, C>G. VCF-style: chr10-68121697-C-G. GRCh37 (hg19) VCF-style: chr10-69881454-C-G.
Other names: c.259C>G, p.Pro87Ala (NM_001256267.2); c.-864C>G (NM_001256268.2); short protein forms P87A.
Identifiers: ClinVar variation 573255 (VCV000573255.26), dbSNP rs376945733, ClinGen allele CA5522244.